The following is an entry in ClinVar:

NM_001256012.3(MYH10):c.1270A>G (p.Lys424Glu)

Gene: MYH10 (myosin heavy chain 10; minus strand). Cytogenetic location: 17p13.1.
Variant type: single nucleotide variant.
Coding change: c.1270A>G on transcript NM_001256012.3 (MANE Select); coding-DNA position 1270, A replaced by G.
Protein change: p.Lys424Glu; replaces lysine 424 with glutamic acid.
Molecular consequence: missense variant.
Genome position (GRCh38, 1-based): chr17:8,546,552, T>C on the plus strand (A>G on the coding strand, the complement: MYH10 is on the minus strand). VCF-style: chr17-8546552-T-C. GRCh37 (hg19) VCF-style: chr17-8449870-T-C.
Other names: c.1270A>G, p.Lys424Glu (NM_001375266.1); c.1240A>G, p.Lys414Glu (NM_005964.5); c.1267A>G, p.Lys423Glu (NM_001256095.2); short protein forms K414E, K423E, K424E.
Identifiers: ClinVar variation 4879214 (VCV004879214.1).

ClinVar aggregate classification (germline): Uncertain significance (1 of 4 stars; one submission).

Conditions:
MYH10-related disorder. Also called: MYH10-related condition.

Submission:

Clinical Genomics Laboratory, Washington University in St. Louis
Classification: Uncertain significance for MYH10-related disorder. Last evaluated: 2026-01-19. Review status: criteria provided, single submitter. Criteria: ACMG Guidelines, 2015. Collection method: clinical testing. Allele origin: germline.
Comment: The MYH10 c.1270A>G (p.Lys424Glu) variant, to our knowledge, has not been reported in the medical literature. This variant is absent from the general population (gnomAD v.2.1.1), indicating it is not a common variant. Computational predictors indicate that the variant is damaging, evidence that correlates with impact to MYH10 function. Due to limited information, and based on ACMG/AMP guidelines for variant interpretation (Richards S et al., PMID: 25741868), the clinical significance of this variant is uncertain at this time.

Literature cited by the submitters: PubMed 35980381.